The following is an entry in ClinVar:

ClinVar aggregate classification (germline): Conflicting classifications of pathogenicity. Review status: criteria provided, conflicting classifications (1 of 4 stars). 4 submissions from 4 submitters: Uncertain significance (1); Likely benign (2). 1 of the submissions does not count toward it. Last evaluated 2025-10-19.

Conditions:
Inborn genetic diseases. Identifiers: MedGen C0950123, MeSH D030342.

Allele frequency attached by ClinVar (database versions not stated): ExAC 0.00006; gnomAD exomes 0.00008; gnomAD 0.00013 and 0.00014; ESP Exome Variant Server 0.00015; TOPMed 0.00016.
gnomAD v4.1: 303 of 1,614,070 alleles (0.019%); highest among the groups gnomAD compares: Non-Finnish European, 0.023%; 2 homozygotes.

Submissions (4):

Labcorp Genetics (formerly Invitae), Labcorp
Classification: Uncertain significance. Last evaluated: 2025-10-19. Review status: criteria provided, single submitter. Criteria: Invitae Variant Classification Sherloc (09022015). Collection method: clinical testing. Allele origin: germline.
Comment: This sequence change replaces serine, which is neutral and polar, with leucine, which is neutral and non-polar, at codon 1028 of the ASXL1 protein (p.Ser1028Leu). This variant is present in population databases (rs200702600, gnomAD 0.01%). This variant has not been reported in the literature in individuals affected with ASXL1-related conditions. ClinVar contains an entry for this variant (Variation ID: 133582). An algorithm developed to predict the effect of missense changes on protein structure and function outputs the following: PolyPhen-2: "Benign". The leucine amino acid residue is found in multiple mammalian species, which suggests that this missense change does not adversely affect protein function. In summary, the available evidence is currently insufficient to determine the role of this variant in disease. Therefore, it has been classified as a Variant of Uncertain Significance.

Ambry Genetics
Classification: Likely benign for Inborn genetic diseases. Last evaluated: 2024-07-23. Review status: criteria provided, single submitter. Criteria: Ambry Variant Classification Scheme 2023. Collection method: clinical testing. Allele origin: germline.

CeGaT Center for Human Genetics Tuebingen
Classification: Likely benign. Last evaluated: 2023-10-01. Review status: criteria provided, single submitter. Criteria: CeGaT Center For Human Genetics Tuebingen Variant Classification Criteria Version 2. Collection method: clinical testing. Allele origin: germline. Affected: yes. Observed: 1 variant allele.
Comment: ASXL1: BP4

ITMI
No classification provided. Condition: AllHighlyPenetrant. Last evaluated: 2013-09-19. Review status: no classification provided. Collection method: reference population. Allele origin: germline. Not counted in ClinVar's aggregate classification.
Comment: Please see associated publication for description of ethnicities

Literature cited by the submitters: PubMed 24728327 (cited by ITMI).

NM_015338.6(ASXL1):c.3083C>T (p.Ser1028Leu)

Gene: ASXL1 (ASXL transcriptional regulator 1; plus strand). Cytogenetic location: 20q11.21.
Variant type: single nucleotide variant.
Coding change: c.3083C>T on transcript NM_015338.6 (MANE Select); coding-DNA position 3083, C replaced by T.
Protein change: p.Ser1028Leu; replaces serine 1028 with leucine.
Molecular consequence: missense variant.
Genome position (GRCh38, 1-based): chr20:32,435,795, C>T. VCF-style: chr20-32435795-C-T. GRCh37 (hg19) VCF-style: chr20-31023598-C-T.
Other names: c.2900C>T, p.Ser967Leu (NM_001363734.1); c.3083C>T (NM_015338.5); short protein forms S1028L, S967L.
Identifiers: ClinVar variation 133582 (VCV000133582.30), dbSNP rs200702600, ClinGen allele CA156999.